The following is an entry in ClinVar:

ClinVar aggregate classification (germline): Uncertain significance. Review status: criteria provided, multiple submitters, no conflicts (2 of 4 stars). 2 submissions from 2 submitters: Uncertain significance (2). Last evaluated 2025-08-02.

Conditions:
PLXNA1-related disorder. Also called: PLXNA1-related condition.

gnomAD v4.1: 3 of 1,613,194 alleles (0.00019%); highest among the groups gnomAD compares: Non-Finnish European, 0.00025%; no homozygotes.

Submissions (2):

PreventionGenetics, part of Exact Sciences
Classification: Uncertain significance for PLXNA1-related condition. Last evaluated: 2025-08-02. Review status: criteria provided, single submitter. Criteria: ACMG Guidelines, 2015. Collection method: clinical testing. Allele origin: germline.
Comment: The PLXNA1 c.4546C>T variant is predicted to result in the amino acid substitution p.Pro1516Ser. To our knowledge, this variant has not been reported in the literature or in a large population database (gnomAD), indicating this variant is rare. At this time, the clinical significance of this variant is uncertain due to the absence of conclusive functional and genetic evidence.

Ambry Genetics
Classification: Uncertain significance. Last evaluated: 2024-04-24. Review status: criteria provided, single submitter. Criteria: Ambry Variant Classification Scheme 2023. Collection method: clinical testing. Allele origin: germline.

NM_032242.4(PLXNA1):c.4546C>T (p.Pro1516Ser)

Gene: PLXNA1 (plexin A1; plus strand). Cytogenetic location: 3q21.3.
Variant type: single nucleotide variant.
Coding change: c.4546C>T on transcript NM_032242.4 (MANE Select); coding-DNA position 4546, C replaced by T.
Protein change: p.Pro1516Ser; replaces proline 1516 with serine.
Molecular consequence: missense variant.
Genome position (GRCh38, 1-based): chr3:127,028,217, C>T. VCF-style: chr3-127028217-C-T. GRCh37 (hg19) VCF-style: chr3-126747060-C-T.
Other names: short protein forms P1516S.
Identifiers: ClinVar variation 3307894 (VCV003307894.2).